The following is an entry in ClinVar:

NM_000338.3(SLC12A1):c.3208T>G (p.Tyr1070Asp)

Gene: SLC12A1 (solute carrier family 12 member 1; plus strand). Cytogenetic location: 15q21.1.
Variant type: single nucleotide variant.
Coding change: c.3208T>G on transcript NM_000338.3 (MANE Select); coding-DNA position 3208, T replaced by G.
Protein change: p.Tyr1070Asp; replaces tyrosine 1070 with aspartic acid.
Molecular consequence: missense variant.
Genome position (GRCh38, 1-based): chr15:48,302,793, T>G. VCF-style: chr15-48302793-T-G. GRCh37 (hg19) VCF-style: chr15-48594990-T-G.
Other names: c.3208T>G, p.Tyr1070Asp (NM_001184832.2, NM_001384136.1); short protein forms Y1070D.
Identifiers: ClinVar variation 2991296 (VCV002991296.3), dbSNP rs2505233312, ClinGen allele CA392322043.

ClinVar aggregate classification (germline): Uncertain significance (1 of 4 stars; one submission).

Submission:

Labcorp Genetics (formerly Invitae), Labcorp
Classification: Uncertain significance. Last evaluated: 2024-10-16. Review status: criteria provided, single submitter. Criteria: Invitae Variant Classification Sherloc (09022015). Collection method: clinical testing. Allele origin: germline.
Comment: This sequence change replaces tyrosine, which is neutral and polar, with aspartic acid, which is acidic and polar, at codon 1070 of the SLC12A1 protein (p.Tyr1070Asp). This variant is not present in population databases (gnomAD no frequency). This variant has not been reported in the literature in individuals affected with SLC12A1-related conditions. Invitae Evidence Modeling of protein sequence and biophysical properties (such as structural, functional, and spatial information, amino acid conservation, physicochemical variation, residue mobility, and thermodynamic stability) indicates that this missense variant is expected to disrupt SLC12A1 protein function with a positive predictive value of 80%. In summary, the available evidence is currently insufficient to determine the role of this variant in disease. Therefore, it has been classified as a Variant of Uncertain Significance.